The following is an entry in ClinVar:

NM_019032.6(ADAMTSL4):c.2087C>T (p.Ser696Leu)

Genes: ADAMTSL4 (ADAMTS like 4; plus strand), ADAMTSL4-AS2 (ADAMTSL4 antisense RNA 2; minus strand). Cytogenetic location: 1q21.2.
Variant type: single nucleotide variant.
Coding change: c.2087C>T on transcript NM_019032.6 (MANE Select); coding-DNA position 2087, C replaced by T.
Protein change: p.Ser696Leu; replaces serine 696 with leucine.
Molecular consequence: missense variant.
Genome position (GRCh38, 1-based): chr1:150,557,533, C>T. VCF-style: chr1-150557533-C-T. GRCh37 (hg19) VCF-style: chr1-150530009-C-T.
Other names: c.1970C>T, p.Ser657Leu (NM_001288607.2); c.2156C>T, p.Ser719Leu (NM_001288608.2); c.2087C>T, p.Ser696Leu (NM_001378596.1, NM_025008.5); short protein forms S696L, S719L, S657L.
Identifiers: ClinVar variation 292544 (VCV000292544.19), dbSNP rs115937511, ClinGen allele CA1078528.

ClinVar aggregate classification (germline): Conflicting classifications of pathogenicity. Review status: criteria provided, conflicting classifications (1 of 4 stars). 5 submissions from 5 submitters: Uncertain significance (2); Benign (2); Likely benign (1). Last evaluated 2026-01-27.

Conditions:
Ectopia lentis et pupillae. Also called: ECTOPIA LENTIS WITH ECTOPIA OF PUPIL. Identifiers: Orphanet 1885, MedGen C1644196, MONDO:0009153, OMIM 225200.
Ectopia lentis 2, isolated, autosomal recessive (ECTOL2). Identifiers: Orphanet 1885, MedGen C3541474, MONDO:0009152, OMIM 225100.

Allele frequency attached by ClinVar (database versions not stated): gnomAD exomes 0.00142; ExAC 0.00176; ESP Exome Variant Server 0.00238; 1000 Genomes Project 0.00319; TOPMed 0.00366; 1000 Genomes Project 30x 0.00406.
gnomAD v4.1: 1,483 of 1,612,230 alleles (0.092%); highest among the groups gnomAD compares: African/African-American, 0.8%; 7 homozygotes.

Submissions (5):

Labcorp Genetics (formerly Invitae), Labcorp
Classification: Benign. Last evaluated: 2026-01-27. Review status: criteria provided, single submitter. Criteria: Invitae Variant Classification Sherloc (09022015). Collection method: clinical testing. Allele origin: germline.

Blueprint Genetics
Classification: Likely benign. Last evaluated: 2024-11-14. Review status: criteria provided, single submitter. Criteria: ACMG Guidelines, 2015. Collection method: clinical testing. Allele origin: germline.

GeneDx
Classification: Uncertain significance. Last evaluated: 2024-02-01. Review status: criteria provided, single submitter. Criteria: GeneDx Variant Classification Process June 2021. Collection method: clinical testing. Allele origin: germline. Affected: yes.
Comment: In silico analysis supports that this missense variant has a deleterious effect on protein structure/function; Has not been previously published as pathogenic or benign to our knowledge

Illumina Laboratory Services, Illumina
Classification: Benign for Ectopia lentis 2, isolated, autosomal recessive. Last evaluated: 2018-01-13. Review status: criteria provided, single submitter. Criteria: ICSL Variant Classification Criteria 13 December 2019. Collection method: clinical testing. Allele origin: germline.
Comment: This variant was observed in the ICSL laboratory as part of a predisposition screen in an ostensibly healthy population. It had not been previously curated by ICSL or reported in the Human Gene Mutation Database (HGMD: prior to June 1st, 2018), and was therefore a candidate for classification through an automated scoring system. Utilizing variant allele frequency, disease prevalence and penetrance estimates, and inheritance mode, an automated score was calculated to assess if this variant is too frequent to cause the disease. Based on the score and internal cut-off values, a variant classified as benign is not then subjected to further curation. The score for this variant resulted in a classification of benign for this disease.

Center for Genomics, Ann and Robert H. Lurie Children's Hospital of Chicago
Classification: Uncertain significance for Ectopia lentis et pupillae; Ectopia lentis 2, isolated, autosomal recessive. Review status: criteria provided, single submitter. Criteria: ACMG Guidelines, 2015. Collection method: clinical testing. Allele origin: germline.
Comment: ADAMTSL4 NM_019032.5 exon 13 p.Ser696Leu (c.2087C>T): This variant has not been reported in the literature but is present in 0.8% (213/24258) of African alleles in the Genome Aggregation Database, including 2 homozygotes. This variant is present in ClinVar (Variation ID:292544). Evolutionary conservation and computational predictive tools suggest that this variant may impact the protein. In summary, data on this variant is insufficient for disease classification. Therefore, the clinical significance of this variant is uncertain.